The following is an entry in ClinVar:

NM_001130438.3(SPTAN1):c.3653T>C (p.Leu1218Pro)

Gene: SPTAN1 (spectrin alpha, non-erythrocytic 1; plus strand). Cytogenetic location: 9q34.11.
Variant type: single nucleotide variant.
Coding change: c.3653T>C on transcript NM_001130438.3 (MANE Select); coding-DNA position 3653, T replaced by C.
Protein change: p.Leu1218Pro; replaces leucine 1218 with proline.
Molecular consequence: missense variant.
Genome position (GRCh38, 1-based): chr9:128,604,351, T>C. VCF-style: chr9-128604351-T-C. GRCh37 (hg19) VCF-style: chr9-131366630-T-C.
Other names: c.3593T>C, p.Leu1198Pro (NM_001195532.2, NM_001363765.2, NM_001375314.2); c.3653T>C, p.Leu1218Pro (NM_001363759.2, NM_001375310.1, NM_001375311.2 and 2 more transcripts); c.3689T>C, p.Leu1230Pro (NM_001375312.2, NM_001375318.1); short protein forms L1198P, L1218P, L1230P.
Identifiers: ClinVar variation 3898731 (VCV003898731.7).
Genomic context (GRCh38, chr9:128,604,351, plus strand): 5'-GAGTGCAGTGGAGCTGATGTTTTGCTGTCCTGCAGGAGCTGAATGAGCGCTGGCGGTCCC[T>C]ACAGCAGCTGGCCGAGGAACGGAGCCAGCTCTTGGGCAGCGCCCATGAAGTACAGAGGTT-3'
Protein context (NP_001123910.1, residues 1208-1228): IKELNERWRS[Leu1218Pro]QQLAEERSQL

ClinVar aggregate classification (germline): Uncertain significance (1 of 4 stars; one submission).

Submission:

CeGaT Center for Human Genetics Tuebingen
Classification: Uncertain significance. Last evaluated: 2025-04-01. Review status: criteria provided, single submitter. Criteria: CeGaT Center For Human Genetics Tuebingen Variant Classification Criteria Version 2. Collection method: clinical testing. Allele origin: germline. Affected: yes. Observed: 1 variant allele.
Comment: SPTAN1: PM2